The following is an entry in ClinVar:

NM_002317.7(LOX):c.1166C>G (p.Ser389Cys)

Genes: LOX (lysyl oxidase; minus strand), SRFBP1 (serum response factor binding protein 1; plus strand). Cytogenetic location: 5q23.1.
Variant type: single nucleotide variant.
Coding change: c.1166C>G on transcript NM_002317.7 (MANE Select); coding-DNA position 1166, C replaced by G.
Protein change: p.Ser389Cys; replaces serine 389 with cysteine.
Molecular consequence: missense variant.
Genome position (GRCh38, 1-based): chr5:122,070,134, G>C on the plus strand (C>G on the coding strand, the complement: LOX is on the minus strand). VCF-style: chr5-122070134-G-C. GRCh37 (hg19) VCF-style: chr5-121405829-G-C.
Other names: c.476C>G, p.Ser159Cys (NM_001178102.2); c.275C>G, p.Ser92Cys (NM_001317073.1); short protein forms S159C, S389C, S92C.
Identifiers: ClinVar variation 3893326 (VCV003893326.2).

ClinVar aggregate classification (germline): Uncertain significance (1 of 4 stars; one submission).

gnomAD v4.1: 5 of 1,612,930 alleles (0.00031%); highest among the groups gnomAD compares: Middle Eastern, 0.016%; no homozygotes.

Submission:

GeneDx
Classification: Uncertain significance. Last evaluated: 2026-06-25. Review status: criteria provided, single submitter. Criteria: GeneDx Variant Classification Process June 2021. Collection method: clinical testing. Allele origin: germline.
Comment: Has not been previously published as pathogenic or benign to our knowledge; Not observed at significant frequency in large population cohorts (gnomAD); In silico analysis supports that this missense variant has a deleterious effect on protein structure/function